The following is an entry in ClinVar:

NM_001014437.3(CARS1):c.2342A>G (p.Tyr781Cys)

Gene: CARS1 (cysteinyl-tRNA synthetase 1; minus strand). Cytogenetic location: 11p15.4.
Variant type: single nucleotide variant.
Coding change: c.2342A>G on transcript NM_001014437.3 (MANE Select); coding-DNA position 2342, A replaced by G.
Protein change: p.Tyr781Cys; replaces tyrosine 781 with cysteine.
Molecular consequence: missense variant. On other transcripts: non-coding transcript variant (4).
Genome position (GRCh38, 1-based): chr11:3,001,989, T>C on the plus strand (A>G on the coding strand, the complement: CARS1 is on the minus strand). VCF-style: chr11-3001989-T-C. GRCh37 (hg19) VCF-style: chr11-3023219-T-C.
Other names: c.2342A>G, p.Tyr781Cys (NM_001194997.2); c.2132A>G, p.Tyr711Cys (NM_001378136.1); c.2063A>G, p.Tyr688Cys (NM_001378137.1, NM_001378138.1, NM_001378139.1); c.1817A>G, p.Tyr606Cys (NM_001378140.1); c.2093A>G, p.Tyr698Cys (NM_001751.6, NM_139273.4); short protein forms Y606C, Y688C, Y781C, Y698C, Y711C.
Identifiers: ClinVar variation 3137442 (VCV003137442.2), dbSNP rs2494112044, ClinGen allele CA379148957.
Genomic context (GRCh38, chr11:3,001,989, plus strand): 5'-ATCAAGTTCTGAATAGAAGAGAAGGATGCTTACATGCTTACATTTTCATCAAACTTGGAG[T>C]ATTTGTCGGTTTCTGACAAGAACATCTCACTGGGGGGAATCTTCATCTTGGCCAGCTTTG-3'
Protein context (NP_001014437.1, residues 771-791): SEMFLSETDK[Tyr781Cys]SKFDENGLPT

ClinVar aggregate classification (germline): Uncertain significance. Review status: criteria provided, multiple submitters, no conflicts (2 of 4 stars). 2 submissions from 2 submitters: Uncertain significance (2). Last evaluated 2025-06-09.

Conditions:
Microcephaly, developmental delay, and brittle hair syndrome. Identifiers: MedGen C5394425, MONDO:0030047, OMIM 618891.

Submissions (2):

Department of Pediatrics, Children's Hospital of Philadelphia
Classification: Uncertain significance for Microcephaly, developmental delay, and brittle hair syndrome. Last evaluated: 2025-06-09. Review status: criteria provided, single submitter. Criteria: ACMG Guidelines, 2015. Collection method: provider interpretation. Allele origin: maternal. Inheritance: Autosomal recessive inheritance. Affected: yes. Observed: 1 compound heterozygote.
Comment: CARS1 is a candidate gene. This is a novel variant that has not previously been described in the medical literature to our knowledge. It is absent from gnomAD (v.4). In silico analysis suggests the variant is probably damaging/deleterious (Poly-Phen/PROVEAN). Since this is a candidate gene, based on ACMG criteria, the variant is considered a variant of uncertain clinical significance.

Ambry Genetics
Classification: Uncertain significance. Last evaluated: 2022-11-01. Review status: criteria provided, single submitter. Criteria: Ambry Variant Classification Scheme 2023. Collection method: clinical testing. Allele origin: germline.